The following is an entry in ClinVar:

ClinVar aggregate classification (germline): Benign/Likely benign. Review status: criteria provided, multiple submitters, no conflicts (2 of 4 stars). 6 submissions from 6 submitters: Benign (2); Likely benign (2). 2 of the submissions do not count toward it. Last evaluated 2026-01-27.

Conditions:
Epidermodysplasia verruciformis. Identifiers: Orphanet 302, MedGen C0014522, MONDO:0009176.

Allele frequency attached by ClinVar (database versions not stated): 1000 Genomes Project 0.00220; 1000 Genomes Project 30x 0.00234; gnomAD 0.00265 and 0.00267; TOPMed 0.00295; ExAC 0.00308; ESP Exome Variant Server 0.00315; gnomAD exomes 0.00333 and 0.00425.
gnomAD v4.1: 6,642 of 1,611,704 alleles (0.41%); highest among the groups gnomAD compares: Middle Eastern, 0.46%; 17 homozygotes.

Submissions (6):

Labcorp Genetics (formerly Invitae), Labcorp
Classification: Benign for Epidermodysplasia verruciformis. Last evaluated: 2026-01-27. Review status: criteria provided, single submitter. Criteria: Invitae Variant Classification Sherloc (09022015). Collection method: clinical testing. Allele origin: germline.

CeGaT Center for Human Genetics Tuebingen
Classification: Likely benign. Last evaluated: 2025-10-01. Review status: criteria provided, single submitter. Criteria: CeGaT Center For Human Genetics Tuebingen Variant Classification Criteria Version 2. Collection method: clinical testing. Allele origin: germline. Affected: yes. Observed: 2 variant alleles.
Comment: TMC6: BP4, BS2

Blueprint Genetics
Classification: Likely benign. Last evaluated: 2024-11-27. Review status: criteria provided, single submitter. Criteria: ACMG Guidelines, 2015. Collection method: clinical testing. Allele origin: germline.

Breakthrough Genomics
Classification: Benign. Review status: criteria provided, single submitter. Criteria: ACMG Guidelines, 2015. Collection method: not provided. Allele origin: germline. Inheritance: Autosomal recessive inheritance. Affected: yes.

Clinical Genetics DNA and cytogenetics Diagnostics Lab, Erasmus MC, Erasmus Medical Center
Classification: Likely benign. Review status: no assertion criteria provided. Collection method: clinical testing. Allele origin: germline. Affected: yes. Study: VKGL Data-share Consensus. Not counted in ClinVar's aggregate classification.

Genome Diagnostics Laboratory, University Medical Center Utrecht
Classification: Likely benign. Review status: no assertion criteria provided. Collection method: clinical testing. Allele origin: germline. Affected: yes. Study: VKGL Data-share Consensus. Not counted in ClinVar's aggregate classification.

NM_001127198.5(TMC6):c.1536-4G>A

Gene: TMC6 (transmembrane channel like 6; minus strand). Cytogenetic location: 17q25.3.
Variant type: single nucleotide variant.
Coding change: c.1536-4G>A on transcript NM_001127198.5 (MANE Select); 4 bases into the intron before coding-DNA position 1536, G replaced by A.
Molecular consequence: intron variant.
Genome position (GRCh38, 1-based): chr17:78,120,836, C>T on the plus strand (G>A on the coding strand, the complement: TMC6 is on the minus strand). VCF-style: chr17-78120836-C-T. GRCh37 (hg19) VCF-style: chr17-76116917-C-T.
Other names: c.1535+177G>A (NM_001374594.1, NM_001374593.1); c.1536-4G>A (NM_001374596.1, NM_007267.7, NM_001321185.1 and 2 more transcripts).
Identifiers: ClinVar variation 526253 (VCV000526253.40), dbSNP rs117553598, ClinGen allele CA8795683.